The following is an entry in ClinVar:

ClinVar aggregate classification (germline): Pathogenic. Review status: criteria provided, multiple submitters, no conflicts (2 of 4 stars). 2 submissions from 2 submitters: Pathogenic (2). Last evaluated 2022-03-22.

Conditions:
DYRK1A-related intellectual disability syndrome (MRD7). Also called: Intellectual developmental disorder, autosomal dominant 7; DYRK1A Syndrome. Identifiers: Orphanet 464306, MedGen C5568143, MONDO:0013578, OMIM 614104.

Submissions (2):

GeneDx
Classification: Pathogenic. Last evaluated: 2022-03-22. Review status: criteria provided, single submitter. Criteria: GeneDx Variant Classification Process June 2021. Collection method: clinical testing. Allele origin: germline. Affected: yes.
Comment: Nonsense variant predicted to result in protein truncation or nonsense mediated decay in a gene for which loss of function is a known mechanism of disease; Not observed at significant frequency in large population cohorts (gnomAD); Has not been previously published as pathogenic or benign to our knowledge

Labcorp Genetics (formerly Invitae), Labcorp
Classification: Pathogenic for DYRK1A-related intellectual disability syndrome. Last evaluated: 2018-10-12. Review status: criteria provided, single submitter. Criteria: Invitae Variant Classification Sherloc (09022015). Collection method: clinical testing. Allele origin: germline.
Comment: This variant is not present in population databases (ExAC no frequency). For these reasons, this variant has been classified as Pathogenic. Loss-of-function variants in DYRK1A are known to be pathogenic (PMID: 25944381). This variant has not been reported in the literature in individuals with DYRK1A-related disease. This sequence change creates a premature translational stop signal (p.Glu366*) in the DYRK1A gene. It is expected to result in an absent or disrupted protein product.

Literature cited by the submitters: PubMed 25944381 (cited by Labcorp Genetics (formerly Invitae), Labcorp).

NM_001347721.2(DYRK1A):c.1069G>T (p.Glu357Ter)

Gene: DYRK1A (dual specificity tyrosine phosphorylation regulated kinase 1A; plus strand). Cytogenetic location: 21q22.13.
Variant type: single nucleotide variant.
Coding change: c.1069G>T on transcript NM_001347721.2 (MANE Select); coding-DNA position 1069, G replaced by T.
Protein change: p.Glu357Ter; replaces glutamic acid 357 with a stop codon.
Molecular consequence: nonsense.
Genome position (GRCh38, 1-based): chr21:37,493,161, G>T. VCF-style: chr21-37493161-G-T. GRCh37 (hg19) VCF-style: chr21-38865463-G-T.
Other names: c.1069G>T, p.Glu357Ter (NM_001347722.2, NM_130436.2); c.982G>T, p.Glu328Ter (NM_001347723.2); c.1096G>T, p.Glu366Ter (NM_001396.5, NM_101395.2, NM_130438.2); short protein forms E328*, E357*, E366*.
Identifiers: ClinVar variation 664970 (VCV000664970.7), dbSNP rs1555985742, ClinGen allele CA409936686.
Genomic context (GRCh38, chr21:37,493,161, plus strand): 5'-TCCCTCGGGTGTATTTTGGTTGAAATGCACACTGGAGAACCTCTGTTCAGTGGTGCCAAT[G>T]AGGTAAATGATGTATTGCTTTACAAATTCTGTTTTCATAATTTCTTTTTGTCTTTCATCT-3'